The following is an entry in ClinVar:

ClinVar aggregate classification (germline): Uncertain significance (1 of 4 stars; one submission).

Submission:

GeneDx
Classification: Uncertain significance. Last evaluated: 2023-03-22. Review status: criteria provided, single submitter. Criteria: GeneDx Variant Classification Process June 2021. Collection method: clinical testing. Allele origin: germline. Affected: yes.
Comment: Not observed at significant frequency in large population cohorts (gnomAD); Frameshift variant predicted to result in protein truncation or nonsense mediated decay in a gene or region of a gene for which loss of function is not a well-established mechanism of disease; Has not been previously published as pathogenic or benign to our knowledge

NM_198994.3(TGM6):c.1523del (p.Gly508fs)

Gene: TGM6 (transglutaminase 6; plus strand). Cytogenetic location: 20p13.
Variant type: Deletion.
Coding change: c.1523del on transcript NM_198994.3 (MANE Select); coding-DNA position 1523, one base deleted (G; older notation c.1523delG).
Protein change: p.Gly508fs; shifts the reading frame from glycine 508.
Molecular consequence: frameshift variant.
Genome position (GRCh38, 1-based): chr20:2,417,418, G deleted; the last of 3 consecutive G bases (chr20:2,417,416-2,417,418); deleting any one gives the same sequence. VCF-style (leftmost placement, unchanged base first): chr20-2417415-TG-T. GRCh37 (hg19) VCF-style: chr20-2398061-TG-T.
Other names: c.1523del, p.Gly508fs (NM_001254734.2); short protein forms G508fs.
Identifiers: ClinVar variation 2580497 (VCV002580497.1), dbSNP rs2514391150, ClinGen allele CA2580618155.